The following is an entry in ClinVar:

ClinVar aggregate classification (germline): Benign/Likely benign. Review status: criteria provided, multiple submitters, no conflicts (2 of 4 stars). 2 submissions from 2 submitters: Benign (1); Likely benign (1). Last evaluated 2025-04-26.

Conditions:
Lynch syndrome 5 (LYNCH5). Also called: Hereditary non-polyposis colorectal cancer, type 5; Colorectal cancer, hereditary nonpolyposis, type 5. Identifiers: Orphanet 144, MedGen C1833477, MONDO:0013710, OMIM 614350. Disease mechanism: loss of function.
Hereditary nonpolyposis colorectal neoplasms. Identifiers: MedGen C0009405, MeSH D003123.

Submissions (2):

Labcorp Genetics (formerly Invitae), Labcorp
Classification: Likely benign for Hereditary nonpolyposis colorectal neoplasms. Last evaluated: 2025-04-26. Review status: criteria provided, single submitter. Criteria: Invitae Variant Classification Sherloc (09022015). Collection method: clinical testing. Allele origin: germline.

Myriad Genetics, Inc.
Classification: Benign for Lynch syndrome 5. Last evaluated: 2025-01-07. Review status: criteria provided, single submitter. Criteria: Myriad Autosomal Dominant, Autosomal Recessive and X-Linked Classification Criteria (2023). Collection method: clinical testing. Allele origin: unknown.
Comment: This variant is considered benign. This variant is a silent/synonymous amino acid change and it is not expected to impact splicing.

NM_000179.3(MSH6):c.3525T>A (p.Thr1175=)

Gene: MSH6 (mutS homolog 6; plus strand). Cytogenetic location: 2p16.3.
Variant type: single nucleotide variant.
Coding change: c.3525T>A on transcript NM_000179.3 (MANE Select); coding-DNA position 3525, T replaced by A.
Protein change: p.Thr1175=; no amino-acid change (threonine 1175 retained).
Molecular consequence: synonymous variant.
Genome position (GRCh38, 1-based): chr2:47,804,996, T>A. VCF-style: chr2-47804996-T-A. GRCh37 (hg19) VCF-style: chr2-48032135-T-A.
Other names: c.3135T>A, p.Thr1045= (NM_001281492.2); c.2619T>A, p.Thr873= (NM_001281493.2, NM_001281494.2).
Identifiers: ClinVar variation 759637 (VCV000759637.12), dbSNP rs1553332284, ClinGen allele CA425997236.